The following is an entry in ClinVar:

ClinVar aggregate classification (germline): Benign/Likely benign. Review status: criteria provided, multiple submitters, no conflicts (2 of 4 stars). 10 submissions from 10 submitters: Benign (1); Likely benign (9). Last evaluated 2026-08-01.

Conditions:
Von Hippel-Lindau syndrome (VHLS). Also called: VHL syndrome; von Hippel–Lindau syndrome; Von Hippel-Lindau. Identifiers: Orphanet 892, MedGen C0019562, MONDO:0008667, OMIM 193300. Disease mechanism: loss of function.
Chuvash polycythemia. Also called: POLYCYTHEMIA, VHL-DEPENDENT. Identifiers: Orphanet 238557, MedGen C1837915, MONDO:0009892, OMIM 263400.
Hereditary cancer-predisposing syndrome. Also called: Neoplastic Syndromes, Hereditary; Tumor predisposition; Hereditary Cancer Syndrome; Hereditary neoplastic syndrome. Identifiers: Orphanet 140162, MedGen C0027672, MeSH D009386, MONDO:0015356.

Allele frequency attached by ClinVar (database versions not stated): ExAC 0.00001; gnomAD exomes 0.00001; gnomAD 0.00003.

Submissions (10):

CeGaT Center for Human Genetics Tuebingen
Classification: Likely benign. Last evaluated: 2026-08-01. Review status: criteria provided, single submitter. Criteria: CeGaT Center For Human Genetics Tuebingen Variant Classification Criteria Version 2. Collection method: clinical testing. Allele origin: germline. Affected: yes. Observed: 1 variant allele.
Comment: VHL: BP4, BP7

Labcorp Genetics (formerly Invitae), Labcorp
Classification: Likely benign for Von Hippel-Lindau syndrome; Chuvash polycythemia. Last evaluated: 2025-11-13. Review status: criteria provided, single submitter. Criteria: Invitae Variant Classification Sherloc (09022015). Collection method: clinical testing. Allele origin: germline.

Myriad Genetics, Inc.
Classification: Benign for Von Hippel-Lindau syndrome. Last evaluated: 2025-06-13. Review status: criteria provided, single submitter. Criteria: Myriad Autosomal Dominant, Autosomal Recessive and X-Linked Classification Criteria (2023). Collection method: clinical testing. Allele origin: unknown.
Comment: This variant is considered benign. This variant is a silent/synonymous amino acid change and it is not expected to impact splicing.

Laboratory of Genetics, Children's Clinical University Hospital Latvia
Classification: Likely benign. Last evaluated: 2025-02-16. Review status: criteria provided, single submitter. Criteria: ACMG Guidelines, 2015. Collection method: clinical testing. Allele origin: germline. Affected: yes.

All of Us Research Program, National Institutes of Health
Classification: Likely benign for Von Hippel-Lindau syndrome. Last evaluated: 2023-11-10. Review status: criteria provided, single submitter. Criteria: ACMG Guidelines, 2015. Collection method: clinical testing. Allele origin: germline. Inheritance: Autosomal dominant inheritance. Observed: 2 variant alleles, 2 heterozygotes.
Comment: This study involves interpretation of variants in research participants for the purpose of population health screening. Participant phenotype was not available at the time of variant classification. Additional details can be found in publication PMID: 35346344, PMCID: PMC8962531

Color Diagnostics, LLC DBA Color Health
Classification: Likely benign for Von Hippel-Lindau syndrome. Last evaluated: 2022-04-27. Review status: criteria provided, single submitter. Criteria: ACMG Guidelines, 2015. Collection method: clinical testing. Allele origin: germline.

Sema4
Classification: Likely benign for Hereditary cancer-predisposing syndrome. Last evaluated: 2021-07-30. Review status: criteria provided, single submitter. Criteria: Sema4 Curation Guidelines. Collection method: curation. Allele origin: germline.

Ambry Genetics
Classification: Likely benign for Hereditary cancer-predisposing syndrome. Last evaluated: 2020-08-18. Review status: criteria provided, single submitter. Criteria: Ambry Variant Classification Scheme 2023. Collection method: clinical testing. Allele origin: germline.

GeneDx
Classification: Likely benign. Last evaluated: 2019-02-11. Review status: criteria provided, single submitter. Criteria: GeneDx Variant Classification Process June 2021. Collection method: clinical testing. Allele origin: germline. Affected: yes.

Women's Health and Genetics/Laboratory Corporation of America, LabCorp
Classification: Likely benign for Von Hippel-Lindau Syndrome. Last evaluated: 2011-08-18. Review status: criteria provided, single submitter. Criteria: LabCorp Variant Classification Summary - May 2015. Collection method: curation, clinical testing. Allele origin: germline. Inheritance: autosomal unknown. Affected: yes.
ClinVar note: Converted during submission from likely benign to Likely benign.

NM_000551.4(VHL):c.549G>A (p.Ser183=)

Genes: VHL (von Hippel-Lindau tumor suppressor; plus strand), LOC107303340 (3p25 von Hippel-Lindau tumor suppressor, E3 ubiquitin protein ligase Alu-mediated recombination region; plus strand). Cytogenetic location: 3p25.3.
Variant type: single nucleotide variant.
Coding change: c.549G>A on transcript NM_000551.4 (MANE Select); coding-DNA position 549, G replaced by A.
Protein change: p.Ser183=; no amino-acid change (serine 183 retained).
Molecular consequence: synonymous variant. On other transcripts: 3 prime UTR variant (1).
Genome position (GRCh38, 1-based): chr3:10,149,872, G>A. VCF-style: chr3-10149872-G-A. GRCh37 (hg19) VCF-style: chr3-10191556-G-A.
Other names: c.*103G>A (NM_001354723.2); c.426G>A, p.Ser142= (NM_198156.3).
Identifiers: ClinVar variation 36906 (VCV000036906.23), dbSNP rs193922614, ClinGen allele CA020477.